The following is an entry in ClinVar:

ClinVar aggregate classification (germline): Likely benign. Review status: criteria provided, multiple submitters, no conflicts (2 of 4 stars). 2 submissions from 2 submitters: Likely benign (2). Last evaluated 2018-06-14.

Allele frequency attached by ClinVar (database versions not stated): gnomAD exomes 0.01575; gnomAD 0.01263 and 0.01234; 1000 Genomes Project 0.00699; 1000 Genomes Project 30x 0.00796; TOPMed 0.01040.
gnomAD v4.1: 11,566 of 772,248 alleles (1.5%); highest among the groups gnomAD compares: Non-Finnish European, 1.8%; 145 homozygotes.

Submissions (4):

GeneDx
Classification: Likely benign. Last evaluated: 2018-06-14. Review status: criteria provided, single submitter. Criteria: GeneDx Variant Classification (06012015). Collection method: clinical testing. Allele origin: germline. Affected: yes.
Comment: This variant is considered likely benign or benign based on one or more of the following criteria: it is a conservative change, it occurs at a poorly conserved position in the protein, it is predicted to be benign by multiple in silico algorithms, and/or has population frequency not consistent with disease.

Breakthrough Genomics
Classification: Likely benign. Review status: criteria provided, single submitter. Criteria: ACMG Guidelines, 2015. Collection method: not provided. Allele origin: germline. Inheritance: Autosomal dominant inheritance. Affected: yes.

Dr. Peter K. Rogan Lab, Western University
No classification provided (evidence only). Condition: Sarcoma. Review status: no classification provided. Collection method: in vitro. Allele origin: not applicable. Functional consequence: retained intron. Not counted in ClinVar's aggregate classification.

Dr. Peter K. Rogan Lab, Western University
No classification provided (evidence only). Condition: Malignant tumor of esophagus. Review status: no classification provided. Collection method: in vitro. Allele origin: not applicable. Functional consequence: retained intron. Not counted in ClinVar's aggregate classification.

NM_000238.4(KCNH2):c.1128+131G>A

Gene: KCNH2 (potassium voltage-gated channel subfamily H member 2; minus strand). Cytogenetic location: 7q36.1.
Variant type: single nucleotide variant.
Coding change: c.1128+131G>A on transcript NM_000238.4 (MANE Select); 131 bases into the intron after coding-DNA position 1128, G replaced by A.
Molecular consequence: intron variant.
Genome position (GRCh38, 1-based): chr7:150,957,160, C>T on the plus strand (G>A on the coding strand, the complement: KCNH2 is on the minus strand). VCF-style: chr7-150957160-C-T. GRCh37 (hg19) VCF-style: chr7-150654248-C-T.
Other names: NC_000007.13:g.150654248C>T; c.840+131G>A (NM_001406753.1, NM_001406756.1); c.1128+131G>A (NM_172056.3); c.951+131G>A (NM_001406755.1); c.828+131G>A (NM_001406757.1).
Identifiers: ClinVar variation 675825 (VCV000675825.5), dbSNP rs41311015, ClinGen allele CA12575867.